The following is an entry in ClinVar:

NM_002382.5(MAX):c.103C>T (p.Arg35Cys)

Genes: MAX (MYC associated transcriptional regulator X; minus strand), MAX-AS1 (MAX antisense RNA 1; plus strand). Cytogenetic location: 14q23.3.
Variant type: single nucleotide variant.
Coding change: c.103C>T on transcript NM_002382.5 (MANE Select); coding-DNA position 103, C replaced by T.
Protein change: p.Arg35Cys; replaces arginine 35 with cysteine.
Molecular consequence: missense variant. On other transcripts: non-coding transcript variant (12), 5 prime UTR variant (6), synonymous variant (1), intron variant (1).
Genome position (GRCh38, 1-based): chr14:65,093,776, G>A on the plus strand (C>T on the coding strand, the complement: MAX is on the minus strand). VCF-style: chr14-65093776-G-A. GRCh37 (hg19) VCF-style: chr14-65560494-G-A.
Other names: c.76C>T, p.Arg26Cys (NM_001271068.2, NM_001271069.2, NM_001407095.1 and 9 more transcripts); c.-172C>T (NM_001320415.2, NM_001407105.1, NM_001407106.1 and 1 more transcripts); c.103C>T, p.Arg35Cys (NM_001407094.1, NM_001407096.1, NM_001407097.1 and 5 more transcripts); c.-265C>T (NM_001407111.1, NM_001407112.1); c.126C>T, p.Asn42= (NM_001407114.1); c.63+7770C>T (NM_001407098.1); short protein forms R26C, R35C.
Identifiers: ClinVar variation 4975798 (VCV004975798.1).

ClinVar aggregate classification (germline): Uncertain significance (1 of 4 stars; one submission).

Submission:

GeneDx
Classification: Uncertain significance. Last evaluated: 2026-01-27. Review status: criteria provided, single submitter. Criteria: GeneDx Variant Classification Process June 2021. Collection method: clinical testing. Allele origin: germline.
Comment: Not observed at significant frequency in large population cohorts (gnomAD); In silico analysis supports that this missense variant has a deleterious effect on protein structure/function; Has not been previously published as pathogenic or benign to our knowledge; This variant is associated with the following publications: (PMID: 1730412)